The following is an entry in ClinVar:

NM_017739.4(POMGNT1):c.749A>G (p.Glu250Gly)

Genes: POMGNT1 (protein O-linked mannose N-acetylglucosaminyltransferase 1 (beta 1,2-); minus strand), TSPAN1 (tetraspanin 1; plus strand). Cytogenetic location: 1p34.1.
Variant type: single nucleotide variant.
Coding change: c.749A>G on transcript NM_017739.4 (MANE Select); coding-DNA position 749, A replaced by G.
Protein change: p.Glu250Gly; replaces glutamic acid 250 with glycine.
Molecular consequence: missense variant.
Genome position (GRCh38, 1-based): chr1:46,194,555, T>C on the plus strand (A>G on the coding strand, the complement: POMGNT1 is on the minus strand). VCF-style: chr1-46194555-T-C. GRCh37 (hg19) VCF-style: chr1-46660227-T-C.
Other names: c.749A>G, p.Glu250Gly (NM_001243766.2, NM_001410783.1); c.683A>G, p.Glu228Gly (NM_001290129.3); c.320A>G, p.Glu107Gly (NM_001290130.2); short protein forms E250G, E107G, E228G.
Identifiers: ClinVar variation 2089032 (VCV002089032.4), dbSNP rs17855359, ClinGen allele CA340183686.

ClinVar aggregate classification (germline): Uncertain significance (1 of 4 stars; one submission).

Conditions:
Autosomal recessive limb-girdle muscular dystrophy type 2O. Also called: Limb-Girdle Muscular Dystrophy Type 3C; MUSCULAR DYSTROPHY-DYSTROGLYCANOPATHY (LIMB-GIRDLE), TYPE C, 3; MUSCULAR DYSTROPHY-DYSTROGLYCANOPATHY, LIMB-GIRDLE, POMGNT1-RELATED. Identifiers: Orphanet 206564, MedGen C3150417, MONDO:0013161, OMIM 613157.
Muscular dystrophy-dystroglycanopathy (congenital with impaired intellectual development), type B, 3. Also called: Muscular dystrophy-dystroglycanopathy (congenital with intellectual disability), type B3; MUSCULAR DYSTROPHY, CONGENITAL, POMGNT1-RELATED. Identifiers: MedGen C3150412, MONDO:0013155, OMIM 613151.

Submission:

Labcorp Genetics (formerly Invitae), Labcorp
Classification: Uncertain significance for Autosomal recessive limb-girdle muscular dystrophy type 2O; Muscular dystrophy-dystroglycanopathy (congenital with impaired intellectual development), type B, 3. Last evaluated: 2022-10-04. Review status: criteria provided, single submitter. Criteria: Invitae Variant Classification Sherloc (09022015). Collection method: clinical testing. Allele origin: germline.
Comment: This variant has not been reported in the literature in individuals affected with POMGNT1-related conditions. In summary, the available evidence is currently insufficient to determine the role of this variant in disease. Therefore, it has been classified as a Variant of Uncertain Significance. Algorithms developed to predict the effect of sequence changes on RNA splicing suggest that this variant may disrupt the consensus splice site. Algorithms developed to predict the effect of missense changes on protein structure and function (SIFT, PolyPhen-2, Align-GVGD) all suggest that this variant is likely to be tolerated. This variant is not present in population databases (gnomAD no frequency). This sequence change replaces glutamic acid, which is acidic and polar, with glycine, which is neutral and non-polar, at codon 250 of the POMGNT1 protein (p.Glu250Gly).